The following is an entry in ClinVar:

ClinVar aggregate classification (germline): Benign (1 of 4 stars; one submission).

Conditions:
MELAS syndrome (MELAS). Also called: Juvenile myopathy, encephalopathy, lactic acidosis, stroke. Identifiers: Orphanet 550, MedGen C0162671, MONDO:0010789, OMIM 540000.

Submission:

Wong Mito Lab, Molecular and Human Genetics, Baylor College of Medicine
Classification: Benign for MELAS syndrome. Last evaluated: 2019-07-12. Review status: criteria provided, single submitter. Criteria: Modified ACMG Guidelines (Unpublished). Collection method: clinical testing. Allele origin: germline.
Comment: The NC_012920.1:m.1607T>C variant in MT-TV gene is interpreted to be a Benign variant based on the modified ACMG guidelines (unpublished). This variant meets the following evidence codes reported in the guidelines: BS1, BS2, BP4

Literature cited by the submitters: PubMed 31965079.

NC_012920.1(MT-TV):m.1607T>C

Gene: MT-TV (mitochondrially encoded tRNA valine; plus strand).
Variant type: single nucleotide variant.
Genome position: chrM-1607-T-C.
Identifiers: ClinVar variation 689833 (VCV000689833.1), dbSNP rs1603218581, ClinGen allele CA913163119.
Genomic context (GRCh38, chrMT:1,607, plus strand): 5'-TAGAGGAGACAAGTCGTAACATGGTAAGTGTACTGGAAAGTGCACTTGGACGAACCAGAG[T>C]GTAGCTTAACACAAAGCACCCAACTTACACTTAGGAGATTTCAACTTAACTTGACCGCTC-3'